The following is an entry in ClinVar:

NM_000718.4(CACNA1B):c.2269A>G (p.Arg757Gly)

Gene: CACNA1B (calcium voltage-gated channel subunit alpha1 B; plus strand). Cytogenetic location: 9q34.3.
Variant type: single nucleotide variant.
Coding change: c.2269A>G on transcript NM_000718.4 (MANE Select); coding-DNA position 2269, A replaced by G.
Protein change: p.Arg757Gly; replaces arginine 757 with glycine.
Molecular consequence: missense variant.
Genome position (GRCh38, 1-based): chr9:138,023,012, A>G. VCF-style: chr9-138023012-A-G. GRCh37 (hg19) VCF-style: chr9-140917464-A-G.
Other names: c.2269A>G, p.Arg757Gly (NM_001243812.2); c.2269A>G (NM_000718.3); short protein forms R757G.
Identifiers: ClinVar variation 2057187 (VCV002057187.3), dbSNP rs200576542, ClinGen allele CA5376464.
Genomic context (GRCh38, chr9:138,023,012, plus strand): 5'-CCTGGAGAGCGGCGGGCGGGCGGCAGACGGGGCCGCGCTCACCGCCAGTCTCCCCGCAGC[A>G]GGCAGCAGAACTCGGCCAAGGCGCGCTCGGTGTGGGAGCAGCGGGCCAGCCAGCTACGGC-3'
Protein context (NP_000709.1, residues 747-767): MSAANISIAA[Arg757Gly]QQNSAKARSV

ClinVar aggregate classification (germline): Uncertain significance. Review status: criteria provided, multiple submitters, no conflicts (2 of 4 stars). 2 submissions from 2 submitters: Uncertain significance (2). Last evaluated 2025-12-18.

Allele frequency attached by ClinVar (database versions not stated): TOPMed 0.00002; gnomAD 0.00003; gnomAD exomes 0.00008; ExAC 0.00227.
gnomAD v4.1: 107 of 1,505,748 alleles (0.0071%); highest among the groups gnomAD compares: South Asian, 0.11%; no homozygotes.

Submissions (2):

Labcorp Genetics (formerly Invitae), Labcorp
Classification: Uncertain significance. Last evaluated: 2025-12-18. Review status: criteria provided, single submitter. Criteria: Invitae Variant Classification Sherloc (09022015). Collection method: clinical testing. Allele origin: germline.
Comment: This sequence change replaces arginine, which is basic and polar, with glycine, which is neutral and non-polar, at codon 757 of the CACNA1B protein (p.Arg757Gly). This variant is present in population databases (rs200576542, gnomAD 0.1%). This variant has not been reported in the literature in individuals affected with CACNA1B-related conditions. ClinVar contains an entry for this variant (Variation ID: 2057187). An algorithm developed to predict the effect of missense changes on protein structure and function (PolyPhen-2) suggests that this variant is likely to be tolerated. In summary, the available evidence is currently insufficient to determine the role of this variant in disease. Therefore, it has been classified as a Variant of Uncertain Significance.

Ambry Genetics
Classification: Uncertain significance. Last evaluated: 2025-09-01. Review status: criteria provided, single submitter. Criteria: Ambry Variant Classification Scheme 2023. Collection method: clinical testing. Allele origin: germline.